The following is an entry in ClinVar:

NM_001297.5(CNGB1):c.2915T>C (p.Phe972Ser)

Gene: CNGB1 (cyclic nucleotide gated channel subunit beta 1; minus strand). Cytogenetic location: 16q21.
Variant type: single nucleotide variant.
Coding change: c.2915T>C on transcript NM_001297.5 (MANE Select); coding-DNA position 2915, T replaced by C.
Protein change: p.Phe972Ser; replaces phenylalanine 972 with serine.
Molecular consequence: missense variant.
Genome position (GRCh38, 1-based): chr16:57,901,413, A>G on the plus strand (T>C on the coding strand, the complement: CNGB1 is on the minus strand). VCF-style: chr16-57901413-A-G. GRCh37 (hg19) VCF-style: chr16-57935317-A-G.
Other names: c.2897T>C, p.Phe966Ser (NM_001286130.2); short protein forms F966S, F972S.
Identifiers: ClinVar variation 1956500 (VCV001956500.4), dbSNP rs2544615942, ClinGen allele CA396055722.

ClinVar aggregate classification (germline): Uncertain significance (1 of 4 stars; one submission).

Submission:

Labcorp Genetics (formerly Invitae), Labcorp
Classification: Uncertain significance. Last evaluated: 2023-04-05. Review status: criteria provided, single submitter. Criteria: Invitae Variant Classification Sherloc (09022015). Collection method: clinical testing. Allele origin: germline.
Comment: In summary, the available evidence is currently insufficient to determine the role of this variant in disease. Therefore, it has been classified as a Variant of Uncertain Significance. Advanced modeling of protein sequence and biophysical properties (such as structural, functional, and spatial information, amino acid conservation, physicochemical variation, residue mobility, and thermodynamic stability) performed at Invitae indicates that this missense variant is not expected to disrupt CNGB1 protein function. ClinVar contains an entry for this variant (Variation ID: 1956500). This variant has not been reported in the literature in individuals affected with CNGB1-related conditions. This variant is not present in population databases (gnomAD no frequency). This sequence change replaces phenylalanine, which is neutral and non-polar, with serine, which is neutral and polar, at codon 972 of the CNGB1 protein (p.Phe972Ser).